The following is an entry in ClinVar:

NM_001318895.3(FHL2):c.331+6G>A

Genes: C2orf49 (chromosome 2 open reading frame 49; plus strand), FHL2 (four and a half LIM domains 2; minus strand). Cytogenetic location: 2q12.2.
Variant type: single nucleotide variant.
Coding change: c.331+6G>A on transcript NM_001318895.3 (MANE Select); 6 bases into the intron after coding-DNA position 331, G replaced by A.
Molecular consequence: intron variant.
Genome position (GRCh38, 1-based): chr2:105,373,553, C>T on the plus strand (G>A on the coding strand, the complement: FHL2 is on the minus strand). VCF-style: chr2-105373553-C-T. GRCh37 (hg19) VCF-style: chr2-105990010-C-T.
Other names: c.331+6G>A (NM_201557.5, NM_001318894.1, NM_201555.3 and 4 more transcripts); c.-11-5814G>A (NM_001318897.2, NM_001318898.2); c.7+6G>A (NM_001318899.2).
Identifiers: ClinVar variation 3023617 (VCV003023617.3), dbSNP rs2467208290, ClinGen allele CA2660516999.

ClinVar aggregate classification (germline): Uncertain significance (1 of 4 stars; one submission).

Conditions:
Primary dilated cardiomyopathy (DCM). Also called: Dilated Cardiomyopathy. Identifiers: Orphanet 217604, MedGen C0007193, MeSH D002311, MONDO:0005021, HP:0001644. Inheritance: Various modes of inheritance.

Allele frequency attached by ClinVar (database versions not stated): gnomAD exomes below 0.00001.
gnomAD v4.1: 1 of 1,614,170 alleles (0.000062%); highest among the groups gnomAD compares: Non-Finnish European, 0.000085%; no homozygotes.

Submission:

Labcorp Genetics (formerly Invitae), Labcorp
Classification: Uncertain significance for Primary dilated cardiomyopathy. Last evaluated: 2023-02-02. Review status: criteria provided, single submitter. Criteria: Invitae Variant Classification Sherloc (09022015). Collection method: clinical testing. Allele origin: germline.
Comment: This variant is not present in population databases (gnomAD no frequency). This sequence change falls in intron 5 of the FHL2 gene. It does not directly change the encoded amino acid sequence of the FHL2 protein. It affects a nucleotide within the consensus splice site. This variant has not been reported in the literature in individuals affected with FHL2-related conditions. Variants that disrupt the consensus splice site are a relatively common cause of aberrant splicing (PMID: 17576681, 9536098). Algorithms developed to predict the effect of sequence changes on RNA splicing suggest that this variant is not likely to affect RNA splicing. In summary, the available evidence is currently insufficient to determine the role of this variant in disease. Therefore, it has been classified as a Variant of Uncertain Significance.

Literature cited by the submitters: PubMed 17576681; PubMed 9536098.